The following is an entry in ClinVar:

ClinVar aggregate classification (germline): Benign. Review status: criteria provided, multiple submitters, no conflicts (2 of 4 stars). 3 submissions from 3 submitters: Benign (3). Last evaluated 2024-11-28.

Allele frequency attached by ClinVar (database versions not stated): 1000 Genomes Project 30x 0.01686; 1000 Genomes Project 0.01697; TOPMed 0.01925; gnomAD 0.02050 and 0.02150; ESP Exome Variant Server 0.02384; gnomAD exomes 0.02692; ExAC 0.03107.
gnomAD v4.1: 51,106 of 1,611,486 alleles (3.2%); highest among the groups gnomAD compares: South Asian, 5.2%; 1,037 homozygotes.

Submissions (3):

Blueprint Genetics
Classification: Benign. Last evaluated: 2024-11-28. Review status: criteria provided, single submitter. Criteria: ACMG Guidelines, 2015. Collection method: clinical testing. Allele origin: germline.

GeneDx
Classification: Benign. Last evaluated: 2018-06-19. Review status: criteria provided, single submitter. Criteria: GeneDx Variant Classification (06012015). Collection method: clinical testing. Allele origin: germline. Affected: yes.
Comment: This variant is considered likely benign or benign based on one or more of the following criteria: it is a conservative change, it occurs at a poorly conserved position in the protein, it is predicted to be benign by multiple in silico algorithms, and/or has population frequency not consistent with disease.

Breakthrough Genomics
Classification: Benign. Review status: criteria provided, single submitter. Criteria: ACMG Guidelines, 2015. Collection method: not provided. Allele origin: germline. Inheritance: Autosomal dominant inheritance. Affected: yes.

NM_003244.4(TGIF1):c.16+1527C>T

Gene: TGIF1 (TGFB induced factor homeobox 1; plus strand). Cytogenetic location: 18p11.31.
Variant type: single nucleotide variant.
Coding change: c.16+1527C>T on transcript NM_003244.4 (MANE Select); 1527 bases into the intron after coding-DNA position 16, C replaced by T.
Molecular consequence: intron variant. On other transcripts: 5 prime UTR variant (1).
Genome position (GRCh38, 1-based): chr18:3,452,032, C>T. VCF-style: chr18-3452032-C-T. GRCh37 (hg19) VCF-style: chr18-3452030-C-T.
Other names: c.-395C>T (NM_170695.5); c.-44-4322C>T (NM_174886.3, NM_001278686.3); c.58+4235C>T (NM_173207.4); c.-45+3493C>T (NM_001374396.1); c.25+2376C>T (NM_001278682.2); c.16+1527C>T (NM_173208.3, NM_001278684.2); c.-45+1962C>T (NM_173209.3); c.-45+257C>T (NM_173210.4); and 1 more.
Identifiers: ClinVar variation 675175 (VCV000675175.3), dbSNP rs111896914, ClinGen allele CA8875722.